The following is an entry in ClinVar:

NM_182961.4(SYNE1):c.25484G>A (p.Arg8495His)

Gene: SYNE1 (spectrin repeat containing nuclear envelope protein 1; minus strand). Cytogenetic location: 6q25.2.
Variant type: single nucleotide variant.
Coding change: c.25484G>A on transcript NM_182961.4 (MANE Select); coding-DNA position 25484, G replaced by A.
Protein change: p.Arg8495His; replaces arginine 8495 with histidine.
Molecular consequence: missense variant.
Genome position (GRCh38, 1-based): chr6:152,136,793, C>T on the plus strand (G>A on the coding strand, the complement: SYNE1 is on the minus strand). VCF-style: chr6-152136793-C-T. GRCh37 (hg19) VCF-style: chr6-152457928-C-T.
Other names: c.25484G>A (NM_182961.2); c.2090G>A, p.Arg697His (NM_001347701.2); c.2018G>A, p.Arg673His (NM_001347702.2); c.25340G>A, p.Arg8447His (NM_033071.5); short protein forms R8447H, R8495H, R673H, R697H.
Identifiers: ClinVar variation 497845 (VCV000497845.16), dbSNP rs558046278, ClinGen allele CA4052812.
Genomic context (GRCh38, chr6:152,136,793, plus strand): 5'-TTGCTGTCAGCCTGGGTGAACTCAGGGCTGCAGAGATTGATGGAGAGGATGATGGCTTTG[C>T]GGTGGTCCACAGCTTTCTGGAGCTCCTGAAAAGAACAAAAAAGACAATCAAACAAGGACA-3'
Protein context (NP_892006.3, residues 8485-8505): LKELQKAVDH[Arg8495His]KAIILSINLC

ClinVar aggregate classification (germline): Uncertain significance. Review status: criteria provided, multiple submitters, no conflicts (2 of 4 stars). 7 submissions from 7 submitters: Uncertain significance (4). 3 of the submissions do not count toward it. Last evaluated 2025-10-09.

Conditions:
SYNE1-related disorder. Also called: SYNE1-related disease; SYNE1-related condition; SYNE1-related disorders.
Emery-Dreifuss muscular dystrophy 4, autosomal dominant (EDMD4). Also called: EMERY-DREIFUSS MUSCULAR DYSTROPHY 4 WITH VARIABLE FEATURES. Identifiers: Orphanet 261, MedGen C2751807, MONDO:0013071, OMIM 612998.
Autosomal recessive ataxia, Beauce type. Also called: SYNE1-Related Autosomal Recessive Cerebellar Ataxia; Spinocerebellar ataxia, autosomal recessive 8; ATAXIA, RECESSIVE, OF BEAUCE; SYNE1 Deficiency. Identifiers: Orphanet 88644, MedGen C1853116, MONDO:0012549, OMIM 610743.

Allele frequency attached by ClinVar (database versions not stated): TOPMed 0.00011; ExAC 0.00012; gnomAD exomes 0.00013 and 0.00025; gnomAD 0.00015 and 0.00016.
gnomAD v4.1: 383 of 1,614,060 alleles (0.024%); highest among the groups gnomAD compares: Non-Finnish European, 0.03%; no homozygotes.

Submissions (7):

Labcorp Genetics (formerly Invitae), Labcorp
Classification: Uncertain significance for Emery-Dreifuss muscular dystrophy 4, autosomal dominant; Autosomal recessive ataxia, Beauce type. Last evaluated: 2025-10-09. Review status: criteria provided, single submitter. Criteria: Invitae Variant Classification Sherloc (09022015). Collection method: clinical testing. Allele origin: germline.
Comment: This sequence change replaces arginine, which is basic and polar, with histidine, which is basic and polar, at codon 8447 of the SYNE1 protein (p.Arg8447His). This variant is present in population databases (rs558046278, gnomAD 0.02%). This missense change has been observed in individual(s) with clinical features of SYNE1-related conditions (PMID: 31127727). This variant is also known as p.Arg8445His. ClinVar contains an entry for this variant (Variation ID: 497845). An algorithm developed to predict the effect of missense changes on protein structure and function outputs the following: PolyPhen-2: "Benign". The histidine amino acid residue is found in multiple mammalian species, which suggests that this missense change does not adversely affect protein function. In summary, the available evidence is currently insufficient to determine the role of this variant in disease. Therefore, it has been classified as a Variant of Uncertain Significance.

Athena Diagnostics
Classification: Uncertain significance. Last evaluated: 2024-10-09. Review status: criteria provided, single submitter. Criteria: Athena Diagnostics Criteria. Collection method: clinical testing. Allele origin: unknown.
Comment: Available data are insufficient to determine the clinical significance of the variant at this time. The frequency of this variant in the general population is uninformative in assessment of its pathogenicity. Polyphen and MutationTaster predict this amino acid change may be benign.

Revvity Omics, Revvity
Classification: Uncertain significance. Last evaluated: 2023-03-03. Review status: criteria provided, single submitter. Criteria: ACMG Guidelines, 2015. Collection method: clinical testing. Allele origin: germline.

Eurofins Ntd Llc (ga)
Classification: Uncertain significance. Last evaluated: 2016-10-12. Review status: criteria provided, single submitter. Criteria: EGL Classification Definitions 2015. Collection method: clinical testing. Allele origin: germline. Observed: 2 variant alleles, 2 heterozygotes.

PreventionGenetics, part of Exact Sciences
Classification: Uncertain significance for SYNE1-related condition. Last evaluated: 2024-02-01. Review status: no assertion criteria provided. Collection method: clinical testing. Allele origin: germline. Not counted in ClinVar's aggregate classification.
Comment: The SYNE1 c.25340G>A variant is predicted to result in the amino acid substitution p.Arg8447His. This variant was previously reported in the heterozygous state in an individual with myopathy and hyperCKaemia; however, the variant was also present in the apparently unaffected father (Westra et al. 2019. PubMed ID: 31127727, reported as p.Arg8495His). This variant is reported in 0.022% of alleles in individuals of European (Non-Finnish) descent in gnomAD. At this time, the clinical significance of this variant is uncertain due to the absence of conclusive functional and genetic evidence.

Clinical Genetics DNA and cytogenetics Diagnostics Lab, Erasmus MC, Erasmus Medical Center
Classification: Uncertain significance. Review status: no assertion criteria provided. Collection method: clinical testing. Allele origin: germline. Affected: yes. Study: VKGL Data-share Consensus. Not counted in ClinVar's aggregate classification.

Diagnostic Laboratory, Department of Genetics, University Medical Center Groningen
Classification: Uncertain significance. Review status: no assertion criteria provided. Collection method: clinical testing. Allele origin: germline. Affected: yes. Study: VKGL Data-share Consensus. Not counted in ClinVar's aggregate classification.

Literature cited by the submitters: PubMed 31127727 (cited by Labcorp Genetics (formerly Invitae), Labcorp).